The following is an entry in ClinVar:

NM_001082486.2(ACD):c.914C>T (p.Pro305Leu)

Gene: ACD (ACD shelterin complex subunit and telomerase recruitment factor; minus strand). Cytogenetic location: 16q22.1.
Variant type: single nucleotide variant.
Coding change: c.914C>T on transcript NM_001082486.2 (MANE Select); coding-DNA position 914, C replaced by T.
Protein change: p.Pro305Leu; replaces proline 305 with leucine.
Molecular consequence: missense variant.
Genome position (GRCh38, 1-based): chr16:67,658,278, G>A on the plus strand (C>T on the coding strand, the complement: ACD is on the minus strand). VCF-style: chr16-67658278-G-A. GRCh37 (hg19) VCF-style: chr16-67692181-G-A.
Other names: c.827C>T, p.Pro276Leu (NM_001410884.1); c.905C>T, p.Pro302Leu (NM_022914.3); short protein forms P276L, P302L, P305L.
Identifiers: ClinVar variation 2452456 (VCV002452456.2), dbSNP rs2543599464, ClinGen allele CA396352804.

ClinVar aggregate classification (germline): Uncertain significance (1 of 4 stars; one submission).

Conditions:
Inborn genetic diseases. Identifiers: MedGen C0950123, MeSH D030342.

Submission:

Ambry Genetics
Classification: Uncertain significance for Inborn genetic diseases. Last evaluated: 2023-02-19. Review status: criteria provided, single submitter. Criteria: Ambry Variant Classification Scheme 2023. Collection method: clinical testing. Allele origin: germline.
Comment: The p.P391L variant (also known as c.1172C>T), located in coding exon 10 of the ACD gene, results from a C to T substitution at nucleotide position 1172. The proline at codon 391 is replaced by leucine, an amino acid with similar properties. This amino acid position is conserved. In addition, this alteration is predicted to be tolerated by in silico analysis. Since supporting evidence is limited at this time, the clinical significance of this alteration remains unclear.